The following is an entry in ClinVar:

NM_005618.4(DLL1):c.1709G>A (p.Arg570Gln)

Gene: DLL1 (delta like canonical Notch ligand 1; minus strand). Cytogenetic location: 6q27.
Variant type: single nucleotide variant.
Coding change: c.1709G>A on transcript NM_005618.4 (MANE Select); coding-DNA position 1709, G replaced by A.
Protein change: p.Arg570Gln; replaces arginine 570 with glutamine.
Molecular consequence: missense variant.
Genome position (GRCh38, 1-based): chr6:170,283,570, C>T on the plus strand (G>A on the coding strand, the complement: DLL1 is on the minus strand). VCF-style: chr6-170283570-C-T. GRCh37 (hg19) VCF-style: chr6-170592658-C-T.
Other names: short protein forms R570Q.
Identifiers: ClinVar variation 2228677 (VCV002228677.5), dbSNP rs756232688, ClinGen allele CA4106753.

ClinVar aggregate classification (germline): Uncertain significance. Review status: criteria provided, multiple submitters, no conflicts (2 of 4 stars). 2 submissions from 2 submitters: Uncertain significance (2). Last evaluated 2024-10-29.

Conditions:
Inborn genetic diseases. Identifiers: MedGen C0950123, MeSH D030342.

Allele frequency attached by ClinVar (database versions not stated): ExAC 0.00003; gnomAD 0.00003; TOPMed 0.00005.
gnomAD v4.1: 24 of 1,613,164 alleles (0.0015%); highest among the groups gnomAD compares: Admixed American, 0.0083%; no homozygotes.

Submissions (2):

Labcorp Genetics (formerly Invitae), Labcorp
Classification: Uncertain significance. Last evaluated: 2024-10-29. Review status: criteria provided, single submitter. Criteria: Invitae Variant Classification Sherloc (09022015). Collection method: clinical testing. Allele origin: germline.
Comment: This sequence change replaces arginine, which is basic and polar, with glutamine, which is neutral and polar, at codon 570 of the DLL1 protein (p.Arg570Gln). This variant is present in population databases (rs756232688, gnomAD 0.01%). This variant has not been reported in the literature in individuals affected with DLL1-related conditions. ClinVar contains an entry for this variant (Variation ID: 2228677). An algorithm developed to predict the effect of missense changes on protein structure and function (PolyPhen-2) suggests that this variant is likely to be tolerated. In summary, the available evidence is currently insufficient to determine the role of this variant in disease. Therefore, it has been classified as a Variant of Uncertain Significance.

Ambry Genetics
Classification: Uncertain significance for Inborn genetic diseases. Last evaluated: 2021-01-12. Review status: criteria provided, single submitter. Criteria: Ambry Variant Classification Scheme 2023. Collection method: clinical testing. Allele origin: germline.